The following is an entry in ClinVar:

ClinVar aggregate classification (germline): Likely pathogenic (1 of 4 stars; one submission).

Conditions:
RASopathy. Also called: Noonan spectrum disorder; rasopathies. Identifiers: Orphanet 536391, MedGen C5555857, MONDO:0021060.

Submission:

Institute for Genomic Medicine (IGM) Clinical Laboratory, Nationwide Children's Hospital
Classification: Likely pathogenic for Rasopathy. Last evaluated: 2017-11-03. Review status: criteria provided, single submitter. Criteria: ACMG Guidelines, 2015. Collection method: clinical testing. Allele origin: germline. Affected: yes.
Comment: PM1, PM2 and PM4; This in-frame duplication of coding sequence in the BRAF gene at nucleotide position 1388 (NM_004333.4:c. 1388_1408dupTTGGATCTGGATCATTTGGAA) leads to a duplication of amino acid residues between position 463 and 469 [p.(Ile463_Gly469dup)][NC_000007.13:g.140481400_140481420dupTTCCAAATGATCCAGATCCAA]. This duplication is located within the protein kinase domain of BRAF, a domain that lacks benign alteration and in which other alterations known to be associated with Noonan syndrome related disorders are clustered (ACMG: PM1; PubMed:16439621). Furthermore, the duplication results in a protein length change within a non-repetitive region (ACMG: PM4). While this variant has not been observed in healthy individuals (gnomAD), it has also not previously been reported in an affected individual (Clinvar) (ACMG: PM2). To our knowledge, in-frame BRAF duplications or insertions have also not previously been reported in association Noonan related syndromes. However, this specific location within the protein appears to be critical for biological function as a missense alteration (p.Gly469Glu) that overlaps with this patient's variant is reported to be one of the most common BRAF alterations found in Cardiofaciocutaneous (CFC) Syndrome (OMIM: 115150)(PMID: 25180280) and an in-frame deletion in the adjacent residue (p.Thr470del) has been observed in an individual with CFC syndrome (PMID: 21204800). No evidence was found to support any of the ACMG criteria for benign classification; therefore, this alteration meets ACMG guidelines for classification as a likely pathogenic variant.

Literature cited by the submitters: PubMed 16439621 (cited by Institute for Genomic Medicine (IGM) Clinical Laboratory, Nationwide Children's Hospital); PubMed 25180280 (cited by Institute for Genomic Medicine (IGM) Clinical Laboratory, Nationwide Children's Hospital); PubMed 21204800 (cited by Institute for Genomic Medicine (IGM) Clinical Laboratory, Nationwide Children's Hospital).

NM_004333.6(BRAF):c.1388_1408dup (p.Ile463_Gly469dup)

Gene: BRAF (B-Raf proto-oncogene, serine/threonine kinase; minus strand). Cytogenetic location: 7q34.
Variant type: Duplication.
Coding change: c.1388_1408dup on transcript NM_004333.6 (MANE Select); coding-DNA positions 1388 to 1408, 21 bases duplicated (TTGGATCTGGATCATTTGGAA).
Protein change: p.Ile463_Gly469dup.
Molecular consequence: inframe insertion.
Genome position (GRCh38, 1-based): chr7:140,781,600-140,781,620, TTCCAAATGATCCAGATCCAA duplicated on the plus strand (TTGGATCTGGATCATTTGGAA on the coding strand, the reverse complement: BRAF is on the minus strand); duplicating any 21 consecutive bases within chr7:140,781,600-140,781,623 gives the same sequence; the c. name uses the placement nearest the transcript's 3' end. VCF-style (leftmost placement, unchanged base first): chr7-140781599-G-GTTCCAAATGATCCAGATCCAA. GRCh37 (hg19) VCF-style: chr7-140481399-G-GTTCCAAATGATCCAGATCCAA.
Other names: c.1388_1408dup, p.Ile463_Gly469dup (NM_001354609.2, NM_001378468.1, NM_001378474.1); c.1508_1528dup, p.Ile503_Gly509dup (NM_001374244.1, NM_001374258.1); c.1397_1417dup, p.Ile466_Gly472dup (NM_001378467.1); c.1322_1342dup, p.Ile441_Gly447dup (NM_001378469.1); c.1286_1306dup, p.Ile429_Gly435dup (NM_001378470.1); c.1277_1297dup, p.Ile426_Gly432dup (NM_001378471.1); c.1232_1252dup, p.Ile411_Gly417dup (NM_001378472.1, NM_001378473.1); c.1124_1144dup, p.Ile375_Gly381dup (NM_001378475.1); and 1 more.
Identifiers: ClinVar variation 599445 (VCV000599445.6), dbSNP rs1562956929, ClinGen allele CA913189399.